The following is an entry in ClinVar:

NM_001329943.3(KIAA0586):c.962-3A>C

Gene: KIAA0586 (KIAA0586; plus strand). Cytogenetic location: 14q23.1.
Variant type: single nucleotide variant.
Coding change: c.962-3A>C on transcript NM_001329943.3 (MANE Select); 3 bases into the intron before coding-DNA position 962, A replaced by C.
Molecular consequence: intron variant.
Genome position (GRCh38, 1-based): chr14:58,450,576, A>C. VCF-style: chr14-58450576-A-C. GRCh37 (hg19) VCF-style: chr14-58917294-A-C.
Other names: c.1121-3A>C (NM_001244189.2); c.917-3A>C (NM_001244190.2); c.830-3A>C (NM_001244192.2); c.707-3A>C (NM_001244191.2, NM_001364701.2, NM_001329945.2 and 1 more transcripts); c.962-3A>C (NM_001329944.2, NM_001329946.2, NM_001329947.2 and 1 more transcripts); c.542-3A>C (NM_001244193.2).
Identifiers: ClinVar variation 2936418 (VCV002936418.2), dbSNP rs755664577, ClinGen allele CA7205530.

ClinVar aggregate classification (germline): Uncertain significance (1 of 4 stars; one submission).

Conditions:
Joubert syndrome 23 (JBTS23). Identifiers: Orphanet 475, MedGen C4084822, MONDO:0014664, OMIM 616490.
Short-rib thoracic dysplasia 14 with polydactyly (SRTD14). Identifiers: Orphanet 397715, MedGen C4225286, MONDO:0014688, OMIM 616546.

Allele frequency attached by ClinVar (database versions not stated): ExAC 0.00001; gnomAD 0.00001.
gnomAD v4.1: 1 of 1,586,678 alleles (0.000063%); highest among the groups gnomAD compares: Non-Finnish European, 0.000086%; no homozygotes.

Submission:

Labcorp Genetics (formerly Invitae), Labcorp
Classification: Uncertain significance for Joubert syndrome 23; Short-rib thoracic dysplasia 14 with polydactyly. Last evaluated: 2023-12-15. Review status: criteria provided, single submitter. Criteria: Invitae Variant Classification Sherloc (09022015). Collection method: clinical testing. Allele origin: germline.
Comment: This sequence change falls in intron 9 of the KIAA0586 gene. It does not directly change the encoded amino acid sequence of the KIAA0586 protein. It affects a nucleotide within the consensus splice site. This variant is present in population databases (rs755664577, gnomAD 0.0009%). This variant has not been reported in the literature in individuals affected with KIAA0586-related conditions. Variants that disrupt the consensus splice site are a relatively common cause of aberrant splicing (PMID: 17576681, 9536098). Algorithms developed to predict the effect of sequence changes on RNA splicing suggest that this variant is not likely to affect RNA splicing. In summary, the available evidence is currently insufficient to determine the role of this variant in disease. Therefore, it has been classified as a Variant of Uncertain Significance.

Literature cited by the submitters: PubMed 17576681; PubMed 9536098.